The following is an entry in ClinVar:

NM_000642.3(AGL):c.4G>A (p.Gly2Arg)

Gene: AGL (amylo-alpha-1,6-glucosidase and 4-alpha-glucanotransferase; plus strand). Cytogenetic location: 1p21.2.
Variant type: single nucleotide variant.
Coding change: c.4G>A on transcript NM_000642.3 (MANE Select); coding-DNA position 4, G replaced by A.
Protein change: p.Gly2Arg; replaces glycine 2 with arginine.
Molecular consequence: missense variant.
Genome position (GRCh38, 1-based): chr1:99,851,046, G>A. VCF-style: chr1-99851046-G-A. GRCh37 (hg19) VCF-style: chr1-100316602-G-A.
Other names: c.4G>A, p.Gly2Arg (NM_000028.3, NM_000643.3, NM_000644.3 and 6 more transcripts); c.-188G>A (NM_000646.3); short protein forms G2R.
Identifiers: ClinVar variation 1020831 (VCV001020831.9), dbSNP rs1218915839, ClinGen allele CA341323359.
Genomic context (GRCh38, chr1:99,851,046, plus strand): 5'-TCGACTGTGGAGTTCTTTTAATTCTTATGAAAGATTTCAAATCCTCTAGAAGCCAAAATG[G>A]GACACAGTAAACAGATTCGAATTTTACTTCTGAACGAAATGGAGAAACTGGAAAAGACCC-3'
Protein context (NP_000633.2, residues 1-12): M[Gly2Arg]HSKQIRILLL

ClinVar aggregate classification (germline): Uncertain significance (1 of 4 stars; one submission).

Conditions:
Glycogen storage disease type III (GSD3). Also called: Cori disease; FORBES DISEASE. Identifiers: Orphanet 366, MedGen C0017922, MONDO:0009291, OMIM 232400.

Allele frequency attached by ClinVar (database versions not stated): gnomAD exomes below 0.00001.

Submission:

Labcorp Genetics (formerly Invitae), Labcorp
Classification: Uncertain significance for Glycogen storage disease type III. Last evaluated: 2022-07-21. Review status: criteria provided, single submitter. Criteria: Invitae Variant Classification Sherloc (09022015). Collection method: clinical testing. Allele origin: germline.
Comment: In summary, the available evidence is currently insufficient to determine the role of this variant in disease. Therefore, it has been classified as a Variant of Uncertain Significance. Algorithms developed to predict the effect of missense changes on protein structure and function (SIFT, PolyPhen-2, Align-GVGD) all suggest that this variant is likely to be tolerated. ClinVar contains an entry for this variant (Variation ID: 1020831). This variant has not been reported in the literature in individuals affected with AGL-related conditions. This variant is present in population databases (no rsID available, gnomAD 0.0009%). This sequence change replaces glycine, which is neutral and non-polar, with arginine, which is basic and polar, at codon 2 of the AGL protein (p.Gly2Arg).